The following is an entry in ClinVar:

ClinVar aggregate classification (germline): Uncertain significance (1 of 4 stars; one submission).

Conditions:
Atrial fibrillation, familial, 7 (ATFB7). Identifiers: MedGen C2677106, MONDO:0012828, OMIM 612240.

Submission:

Labcorp Genetics (formerly Invitae), Labcorp
Classification: Uncertain significance for Atrial fibrillation, familial, 7. Last evaluated: 2024-12-12. Review status: criteria provided, single submitter. Criteria: Invitae Variant Classification Sherloc (09022015). Collection method: clinical testing. Allele origin: germline.
Comment: This sequence change replaces aspartic acid, which is acidic and polar, with tyrosine, which is neutral and polar, at codon 277 of the KCNA5 protein (p.Asp277Tyr). This variant is not present in population databases (gnomAD no frequency). This variant has not been reported in the literature in individuals affected with KCNA5-related conditions. Invitae Evidence Modeling of protein sequence and biophysical properties (such as structural, functional, and spatial information, amino acid conservation, physicochemical variation, residue mobility, and thermodynamic stability) indicates that this missense variant is not expected to disrupt KCNA5 protein function with a negative predictive value of 80%. In summary, the available evidence is currently insufficient to determine the role of this variant in disease. Therefore, it has been classified as a Variant of Uncertain Significance.

NM_002234.4(KCNA5):c.829G>T (p.Asp277Tyr)

Gene: KCNA5 (potassium voltage-gated channel subfamily A member 5; plus strand). Cytogenetic location: 12p13.32.
Variant type: single nucleotide variant.
Coding change: c.829G>T on transcript NM_002234.4 (MANE Select); coding-DNA position 829, G replaced by T.
Protein change: p.Asp277Tyr; replaces aspartic acid 277 with tyrosine.
Molecular consequence: missense variant.
Genome position (GRCh38, 1-based): chr12:5,044,976, G>T. VCF-style: chr12-5044976-G-T. GRCh37 (hg19) VCF-style: chr12-5154142-G-T.
Other names: short protein forms D277Y.
Identifiers: ClinVar variation 3666733 (VCV003666733.2).